The following is an entry in ClinVar:

ClinVar aggregate classification (germline): Pathogenic. Review status: criteria provided, multiple submitters, no conflicts (2 of 4 stars). 4 submissions from 4 submitters: Pathogenic (4). Last evaluated 2025-08-04.

Conditions:
Porokeratotic adnexal ostial nevus.
Autosomal recessive nonsyndromic hearing loss 1A (DFNB1A). Also called: Nonsyndromic Hearing Loss and Deafness, DFNB1; GJB6-Related DFNB 1 Nonsyndromic Hearing Loss and Deafness; Deafness, autosomal recessive 1A; Connexin 26 deafness; Deafness nonsyndromic, Connexin 26 linked; GJB2-Related Autosomal Recessive Nonsyndromic Hearing Loss. Identifiers: Orphanet 90636, MedGen C2673759, MONDO:0009076, OMIM 220290.
Autosomal dominant keratitis-ichthyosis-hearing loss syndrome. Also called: HID SYNDROME; Senter syndrome; KID SYNDROME, AUTOSOMAL DOMINANT. Identifiers: Orphanet 477, MedGen C0265336, MONDO:0007850, OMIM 148210.

Submissions (4):

Labcorp Genetics (formerly Invitae), Labcorp
Classification: Pathogenic. Last evaluated: 2025-08-04. Review status: criteria provided, single submitter. Criteria: Invitae Variant Classification Sherloc (09022015). Collection method: clinical testing. Allele origin: germline.
Comment: This sequence change replaces alanine, which is neutral and non-polar, with valine, which is neutral and non-polar, at codon 88 of the GJB2 protein (p.Ala88Val). This variant is not present in population databases (gnomAD no frequency). This missense change has been observed in individual(s) with autosomal dominant keratitis–ichthyosis–deafness (KID) syndrome (PMID: 20629838). In at least one individual the variant was observed to be de novo. ClinVar contains an entry for this variant (Variation ID: 1458348). Invitae Evidence Modeling of protein sequence and biophysical properties (such as structural, functional, and spatial information, amino acid conservation, physicochemical variation, residue mobility, and thermodynamic stability) indicates that this missense variant is expected to disrupt GJB2 protein function with a positive predictive value of 95%. Experimental studies have shown that this missense change affects GJB2 function (PMID: 23447037). For these reasons, this variant has been classified as Pathogenic.

Natera, Inc.
Classification: Pathogenic for Autosomal recessive deafness type 1A. Last evaluated: 2025-07-17. Review status: criteria provided, single submitter. Criteria: Natera Variant Classification Schema (03/2026). Collection method: clinical testing. Allele origin: germline.
Comment: The c.263C>T variant in GJB2 is a missense variant predicted to cause substitution of alanine to valine at amino acid 88. This variant is rare in the general population with a frequency below the threshold expected for the associated phenotype(s). This variant has been observed in affected individual(s) with monoallelic occurrence (heterozygous/hemizygous) (PMID: 20629838, 20846357, 31421982). This variant has been confirmed as or assumed to be a de novo occurrence in one or more affected individuals (PMID: 20629838, 20846357, 36286624). Computational prediction algorithms indicate this variant is likely to affect gene or protein function. Given the available evidence, this variant is classified as Pathogenic.

Clinical Genomics Laboratory, Washington University in St. Louis
Classification: Pathogenic for Porokeratotic adnexal ostial nevus. Last evaluated: 2025-02-07. Review status: criteria provided, single submitter. Criteria: Leon-Quintero et al. (Clin Genet. 2025). Collection method: clinical testing. Allele origin: somatic. Affected: yes.
Comment: A GJB2 c.263C>T (p.Ala88Val) variant was identified at an allelic fraction consistent with somatic origin. This variant has been reported in a germline state in numerous individuals with keratitis-ichthyosis-deafness (KID) syndrome (Koppelhus U et al., PMID: 20846357; Maarouf S et al., PMID: 39659087; Haruna K et al., PMID: 20629838; Lilly E et al., PMID: 30287322; López-Sundh AE et al., PMID: 36286624) and in four individuals as a somatic variant associated with porokeratotic adnexal ostial nevus (PAON) (Chang YH et al., PMID: 36478599; Zhao A et al., PMID: 38292003; Letertre O et al., PMID: 36734293). It has been reported in the ClinVar database as a pathogenic variant by two submitters (ClinVar ID: 1458348). Other variants at the same codon, p.Ala88Ser, p.Ala88Gly, p.Ala88Glu, and p.Ala88Pro, have been reported in individuals with various non-syndromic recessive conditions and are considered pathogenic (Posukh OL et al., PMID: 37892203). The GJB2 c.263C>T (p.Ala88Val) variant is absent from the general population (gnomAD v.4.1.0), indicating it is not a common variant. It resides within a region, transmembrane domain 2, of GJB2 that is defined as a critical functional domain (Posukh OL et al., PMID: 37892203; Chang YH et al., PMID: 36478599). Computational predictors indicate that the variant is damaging, evidence that correlates with impact on GJB2 function. In support of this prediction, functional studies show that the GJB2 c.263C>T (p.Ala88Val) variant significantly activates hemichannels and increased membrane current flow, resulting in accelerated cell death in low extracellular calcium concentrations (Bayraktar E et al., PMID: 38928300; Mhaske PV et al., PMID: 23447037; Yasarbas SS et al., PMID: 38827992). Based on an internally developed protocol informed by the ACMG/AMP guidelines (Leon-Quintero FZ, et al., PMID: 39434542) and gene-specific practices from the ClinGen Criteria Specification Registry, the GJB2 c.263C>T (p.Ala88Val) variant is classified as pathogenic.

Baylor Genetics
Classification: Pathogenic for Autosomal dominant keratitis-ichthyosis-hearing loss syndrome. Last evaluated: 2024-01-08. Review status: criteria provided, single submitter. Criteria: ACMG Guidelines, 2015. Collection method: clinical testing. Allele origin: unknown.

Literature cited by the submitters: PubMed 20629838 (cited by Labcorp Genetics (formerly Invitae), Labcorp and Natera, Inc.); PubMed 23447037 (cited by Labcorp Genetics (formerly Invitae), Labcorp); PubMed 20846357 (cited by Natera, Inc.); PubMed 31421982 (cited by Natera, Inc.); PubMed 36286624 (cited by Natera, Inc.).

NM_004004.6(GJB2):c.263C>T (p.Ala88Val)

Gene: GJB2 (gap junction protein beta 2; minus strand). Cytogenetic location: 13q12.11.
Variant type: single nucleotide variant.
Coding change: c.263C>T on transcript NM_004004.6 (MANE Select); coding-DNA position 263, C replaced by T.
Protein change: p.Ala88Val; replaces alanine 88 with valine.
Molecular consequence: missense variant.
Genome position (GRCh38, 1-based): chr13:20,189,319, G>A on the plus strand (C>T on the coding strand, the complement: GJB2 is on the minus strand). VCF-style: chr13-20189319-G-A. GRCh37 (hg19) VCF-style: chr13-20763458-G-A.
Other names: c.263C>T (NM_004004.5); short protein forms A88V.
Identifiers: ClinVar variation 1458348 (VCV001458348.9), dbSNP rs1555341945, ClinGen allele CA387461514.